The following is an entry in ClinVar:

ClinVar aggregate classification (germline): Pathogenic (1 of 4 stars; one submission).

Conditions:
Coffin-Siris syndrome 6. Identifiers: MedGen C4540499, MONDO:0033492, OMIM 617808.

Submission:

Rady Children's Institute for Genomic Medicine, Rady Children's Hospital San Diego
Classification: Pathogenic for Coffin-Siris syndrome 6. Last evaluated: 2020-03-27. Review status: criteria provided, single submitter. Criteria: ACMG Guidelines, 2015. Collection method: clinical testing. Allele origin: germline. Affected: yes.
Comment: This variant affects the canonical splice acceptor site of intron 9 and is therefore predicted to interfere with splicing and result in loss of normal protein function. This variant has not been previously reported or functionally characterized in the literature to our knowledge. It is absent from the gnomAD population database and thus is presumed to be rare. Multiple splice prediction tools suggest this variant is likely to interfere with normal splicing. The ARID2 gene is highly intolerant of loss-of-function variants (pLI of 1) and the majority of disease causing ARID2 variations reported are de novo loss-of-function variants (PMID: 28124119, 26238514). Analysis of the parental samples was negative for the variant, indicating this variant likely occurred as a de novo event. Based on the available evidence, the c.1121-1G>A variant is classified as Pathogenic.

NM_152641.4(ARID2):c.1121-1G>A

Gene: ARID2 (AT-rich interaction domain 2; plus strand). Cytogenetic location: 12q12.
Variant type: single nucleotide variant.
Coding change: c.1121-1G>A on transcript NM_152641.4 (MANE Select); the canonical splice acceptor site of the intron before coding-DNA position 1121, G replaced by A.
Molecular consequence: splice acceptor variant.
Genome position (GRCh38, 1-based): chr12:45,837,497, G>A. VCF-style: chr12-45837497-G-A. GRCh37 (hg19) VCF-style: chr12-46231280-G-A.
Other names: c.1121-1G>A (NM_001347839.2).
Identifiers: ClinVar variation 984951 (VCV000984951.1), dbSNP rs1943242602, ClinGen allele CA384454377.